The following is an entry in ClinVar:

NM_002095.6(GTF2E2):c.184T>A (p.Phe62Ile)

Gene: GTF2E2 (general transcription factor IIE subunit 2; minus strand). Cytogenetic location: 8p12.
Variant type: single nucleotide variant.
Coding change: c.184T>A on transcript NM_002095.6 (MANE Select); coding-DNA position 184, T replaced by A.
Protein change: p.Phe62Ile; replaces phenylalanine 62 with isoleucine.
Molecular consequence: missense variant.
Genome position (GRCh38, 1-based): chr8:30,635,106, A>T on the plus strand (T>A on the coding strand, the complement: GTF2E2 is on the minus strand). VCF-style: chr8-30635106-A-T. GRCh37 (hg19) VCF-style: chr8-30492623-A-T.
Other names: c.184T>A, p.Phe62Ile (NM_001348353.1); c.184T>A (NM_002095.4); short protein forms F62I.
Identifiers: ClinVar variation 2196246 (VCV002196246.3), dbSNP rs115460759, ClinGen allele CA4701044.

ClinVar aggregate classification (germline): Uncertain significance. Review status: criteria provided, multiple submitters, no conflicts (2 of 4 stars). 2 submissions from 2 submitters: Uncertain significance (2). Last evaluated 2025-08-05.

Conditions:
Inborn genetic diseases. Identifiers: MedGen C0950123, MeSH D030342.

Allele frequency attached by ClinVar (database versions not stated): 1000 Genomes Project 30x 0.00016; 1000 Genomes Project 0.00020; TOPMed 0.00027; gnomAD 0.00029; ESP Exome Variant Server 0.00031; gnomAD exomes 0.00055; ExAC 0.00056.

Submissions (2):

Ambry Genetics
Classification: Uncertain significance for Inborn genetic diseases. Last evaluated: 2025-08-05. Review status: criteria provided, single submitter. Criteria: Ambry Variant Classification Scheme 2023. Collection method: clinical testing. Allele origin: germline.

Labcorp Genetics (formerly Invitae), Labcorp
Classification: Uncertain significance. Last evaluated: 2022-09-09. Review status: criteria provided, single submitter. Criteria: Invitae Variant Classification Sherloc (09022015). Collection method: clinical testing. Allele origin: germline.
Comment: This sequence change replaces phenylalanine, which is neutral and non-polar, with isoleucine, which is neutral and non-polar, at codon 62 of the GTF2E2 protein (p.Phe62Ile). This variant is present in population databases (rs115460759, gnomAD 0.07%), and has an allele count higher than expected for a pathogenic variant. This variant has not been reported in the literature in individuals affected with GTF2E2-related conditions. Advanced modeling of protein sequence and biophysical properties (such as structural, functional, and spatial information, amino acid conservation, physicochemical variation, residue mobility, and thermodynamic stability) performed at Invitae indicates that this missense variant is not expected to disrupt GTF2E2 protein function. In summary, the available evidence is currently insufficient to determine the role of this variant in disease. Therefore, it has been classified as a Variant of Uncertain Significance.